The following is an entry in ClinVar:

NM_001621.5(AHR):c.528G>A (p.Trp176Ter)

Gene: AHR (aryl hydrocarbon receptor; plus strand). Cytogenetic location: 7p21.1.
Variant type: single nucleotide variant.
Coding change: c.528G>A on transcript NM_001621.5 (MANE Select); coding-DNA position 528, G replaced by A.
Protein change: p.Trp176Ter; replaces tryptophan 176 with a stop codon.
Molecular consequence: nonsense.
Genome position (GRCh38, 1-based): chr7:17,330,029, G>A. VCF-style: chr7-17330029-G-A. GRCh37 (hg19) VCF-style: chr7-17369653-G-A.
Other names: short protein forms W176*.
Identifiers: ClinVar variation 3383354 (VCV003383354.2).

ClinVar aggregate classification (germline): Likely pathogenic (1 of 4 stars; one submission).

Conditions:
Foveal hypoplasia 3. Identifiers: MedGen C5975405, MONDO:0975805, OMIM 620958.

Submission:

Kasturba Medical College, Manipal, Kasturba Medical College, Manipal, Manipal Academy of Higher Education, Manipal, India
Classification: Likely pathogenic for Foveal hypoplasia 3. Review status: criteria provided, single submitter. Criteria: ACMG Guidelines, 2015. Collection method: research. Allele origin: biparental. Inheritance: Autosomal recessive inheritance. Affected: yes. Observed: 1 homozygote.
Comment: This variant is predicted to cause premature termination of the transcript, which will either lead to the nonsense-mediated mRNA decay or formation of a truncated protein product. This variant is not observed in the gnomAD (v4.1.0) population database.